The following is an entry in ClinVar:

NM_001372044.2(SHANK3):c.3582_3583del (p.Ala1195fs)

Gene: SHANK3 (SH3 and multiple ankyrin repeat domains 3; plus strand). Cytogenetic location: 22q13.33.
Variant type: Deletion.
Coding change: c.3582_3583del on transcript NM_001372044.2 (MANE Select); coding-DNA positions 3582 to 3583, 2 bases deleted (GG; older notation c.3582_3583delGG).
Protein change: p.Ala1195fs; shifts the reading frame from alanine 1195.
Molecular consequence: frameshift variant.
Genome position (GRCh38, 1-based): chr22:50,721,190-50,721,191, GG deleted. VCF-style (leftmost placement, unchanged base first): chr22-50721189-TGG-T. GRCh37 (hg19) VCF-style: chr22-51159617-TGG-T.
Other names: short protein forms A1195fs.
Identifiers: ClinVar variation 4294010 (VCV004294010.1).

ClinVar aggregate classification (germline): Likely pathogenic (1 of 4 stars; one submission).

Conditions:
Phelan-McDermid syndrome. Also called: TELOMERIC 22q13 MONOSOMY SYNDROME; 22q13.3 deletion syndrome; Phelan-McDermid Syndrome-SHANK3 Related. Identifiers: Orphanet 48652, MedGen C1853490, MONDO:0011652, OMIM 606232.

Submission:

3billion
Classification: Likely pathogenic for Phelan-McDermid syndrome. Last evaluated: 2024-07-17. Review status: criteria provided, single submitter. Criteria: ACMG Guidelines, 2015. Collection method: clinical testing. Allele origin: germline. Affected: yes.
Comment: The variant is not observed in the gnomAD v4.0.0 dataset. Predicted Consequence/Location: Frameshift: predicted to result in a loss or disruption of normal protein function through nonsense-mediated decay (NMD) or protein truncation. Multiple pathogenic variants are reported downstream of the variant. Therefore, this variant is classified as Likely pathogenic according to the recommendation of ACMG/AMP guideline.